The following is an entry in ClinVar:

ClinVar aggregate classification (germline): Uncertain significance (1 of 4 stars; one submission).

Conditions:
Fetal akinesia deformation sequence 1 (FADS1). Also called: Fetal akinesia sequence; Pena-Shokeir syndrome type I. Identifiers: Orphanet 994, MedGen C1276035, MONDO:0100101, OMIM 208150, HP:0001989.
Congenital myasthenic syndrome 10. Also called: Myasthenia, limb-girdle, familial. Identifiers: Orphanet 590, MedGen C1850792, MONDO:0009690, OMIM 254300.

gnomAD v4.1: 13 of 1,602,574 alleles (0.00081%); highest among the groups gnomAD compares: Admixed American, 0.0017%; no homozygotes.

Submission:

Labcorp Genetics (formerly Invitae), Labcorp
Classification: Uncertain significance for Congenital myasthenic syndrome 10; Fetal akinesia deformation sequence 1. Last evaluated: 2021-08-28. Review status: criteria provided, single submitter. Criteria: Invitae Variant Classification Sherloc (09022015). Collection method: clinical testing. Allele origin: germline.
Comment: This sequence change replaces glycine with glutamic acid at codon 298 of the DOK7 protein (p.Gly298Glu). The glycine residue is moderately conserved and there is a moderate physicochemical difference between glycine and glutamic acid. This variant is not present in population databases (ExAC no frequency). This variant has not been reported in the literature in individuals affected with DOK7-related conditions. Algorithms developed to predict the effect of missense changes on protein structure and function are either unavailable or do not agree on the potential impact of this missense change (SIFT: "Deleterious"; PolyPhen-2: "Possibly Damaging"; Align-GVGD: "Class C0"). In summary, the available evidence is currently insufficient to determine the role of this variant in disease. Therefore, it has been classified as a Variant of Uncertain Significance.

NM_173660.5(DOK7):c.893G>A (p.Gly298Glu)

Gene: DOK7 (docking protein 7; plus strand). Cytogenetic location: 4p16.3.
Variant type: single nucleotide variant.
Coding change: c.893G>A on transcript NM_173660.5 (MANE Select); coding-DNA position 893, G replaced by A.
Protein change: p.Gly298Glu; replaces glycine 298 with glutamic acid.
Molecular consequence: missense variant. On other transcripts: 3 prime UTR variant (1), 5 prime UTR variant (1).
Genome position (GRCh38, 1-based): chr4:3,492,879, G>A. VCF-style: chr4-3492879-G-A. GRCh37 (hg19) VCF-style: chr4-3494606-G-A.
Other names: c.*114G>A (NM_001164673.2); c.-38G>A (NM_001256896.2); c.893G>A, p.Gly298Glu (NM_001301071.2); c.461G>A, p.Gly154Glu (NM_001363811.2); short protein forms G298E, G154E.
Identifiers: ClinVar variation 465692 (VCV000465692.6), dbSNP rs1553850025, ClinGen allele CA356116256.
Genomic context (GRCh38, chr4:3,492,879, plus strand): 5'-GCAGCCGGCTCACCGCATGGCCAGAGCAATCCTCGTCGTCAGCCAGCACGTCACAGGAGG[G>A]GCCTAGACCAGCAGCTGCCCAGGCCGCCGGGGAAGCCATGGTGGGTGCCTCAAGGCCACC-3'
Protein context (NP_775931.3, residues 288-308): SSSSASTSQE[Gly298Glu]PRPAAAQAAG